The following is an entry in ClinVar:

NM_004329.3(BMPR1A):c.1347C>G (p.Ile449Met)

Gene: BMPR1A (bone morphogenetic protein receptor type 1A; plus strand). Cytogenetic location: 10q23.2.
Variant type: single nucleotide variant.
Coding change: c.1347C>G on transcript NM_004329.3 (MANE Select); coding-DNA position 1347, C replaced by G.
Protein change: p.Ile449Met; replaces isoleucine 449 with methionine.
Molecular consequence: missense variant.
Genome position (GRCh38, 1-based): chr10:86,923,380, C>G. VCF-style: chr10-86923380-C-G. GRCh37 (hg19) VCF-style: chr10-88683137-C-G.
Other names: c.1347C>G (NM_004329.2); short protein forms I449M.
Identifiers: ClinVar variation 1020759 (VCV001020759.12), dbSNP rs1057520966, ClinGen allele CA377462616.

ClinVar aggregate classification (germline): Uncertain significance. Review status: criteria provided, multiple submitters, no conflicts (2 of 4 stars). 2 submissions from 2 submitters: Uncertain significance (2). Last evaluated 2024-12-16.

Conditions:
Juvenile polyposis syndrome (JPS). Identifiers: Orphanet 2929, MedGen C0345893, MONDO:0017380, OMIM 174900.
Hereditary cancer-predisposing syndrome. Also called: Hereditary neoplastic syndrome; Neoplastic Syndromes, Hereditary; Tumor predisposition; Hereditary Cancer Syndrome. Identifiers: Orphanet 140162, MedGen C0027672, MeSH D009386, MONDO:0015356.

Allele frequency attached by ClinVar (database versions not stated): gnomAD exomes below 0.00001; TOPMed below 0.00001.
gnomAD v4.1: 4 of 1,614,028 alleles (0.00025%); highest among the groups gnomAD compares: Non-Finnish European, 0.00025%; no homozygotes.

Submissions (2):

Labcorp Genetics (formerly Invitae), Labcorp
Classification: Uncertain significance for Juvenile polyposis syndrome. Last evaluated: 2024-12-16. Review status: criteria provided, single submitter. Criteria: Invitae Variant Classification Sherloc (09022015). Collection method: clinical testing. Allele origin: germline.
Comment: This sequence change replaces isoleucine, which is neutral and non-polar, with methionine, which is neutral and non-polar, at codon 449 of the BMPR1A protein (p.Ile449Met). This variant is not present in population databases (gnomAD no frequency). This variant has not been reported in the literature in individuals affected with BMPR1A-related conditions. ClinVar contains an entry for this variant (Variation ID: 1020759). Invitae Evidence Modeling of protein sequence and biophysical properties (such as structural, functional, and spatial information, amino acid conservation, physicochemical variation, residue mobility, and thermodynamic stability) indicates that this missense variant is not expected to disrupt BMPR1A protein function with a negative predictive value of 80%. In summary, the available evidence is currently insufficient to determine the role of this variant in disease. Therefore, it has been classified as a Variant of Uncertain Significance.

Ambry Genetics
Classification: Uncertain significance for Hereditary cancer-predisposing syndrome. Last evaluated: 2024-11-17. Review status: criteria provided, single submitter. Criteria: Ambry Variant Classification Scheme 2023. Collection method: clinical testing. Allele origin: germline.
Comment: The p.I449M variant (also known as c.1347C>G), located in coding exon 10 of the BMPR1A gene, results from a C to G substitution at nucleotide position 1347. The isoleucine at codon 449 is replaced by methionine, an amino acid with highly similar properties. This amino acid position is conserved. In addition, this alteration is predicted to be tolerated by in silico analysis. Based on the available evidence, the clinical significance of this variant remains unclear.